The following is an entry in ClinVar:

NM_018238.4(AGK):c.860G>A (p.Trp287Ter)

Gene: AGK (acylglycerol kinase; plus strand). Cytogenetic location: 7q34.
Variant type: single nucleotide variant.
Coding change: c.860G>A on transcript NM_018238.4 (MANE Select); coding-DNA position 860, G replaced by A.
Protein change: p.Trp287Ter; replaces tryptophan 287 with a stop codon.
Molecular consequence: nonsense.
Genome position (GRCh38, 1-based): chr7:141,641,381, G>A. VCF-style: chr7-141641381-G-A. GRCh37 (hg19) VCF-style: chr7-141341181-G-A.
Other names: c.860G>A, p.Trp287Ter (NM_001364948.3); short protein forms W287*.
Identifiers: ClinVar variation 2120043 (VCV002120043.4), dbSNP rs2485465829, ClinGen allele CA369539460.
Genomic context (GRCh38, chr7:141,641,381, plus strand): 5'-AGACCCCTGTACAAAGGCCTTCTTTGTACAGGAGAATATTACGAAGGCTTGCGTCCTACT[G>A]GGCACAACCACAGGATGGTGAGCAATGTGGCGACTAAAGATTGGAGGGCCCTGGTCAGTT-3'

ClinVar aggregate classification (germline): Pathogenic (1 of 4 stars; one submission).

Conditions:
Cataract 38. Also called: Cataract, autosomal recessive congenital 5; Cataract 38, autosomal recessive. Identifiers: Orphanet 91492, MedGen C3553494, MONDO:0013859, OMIM 614691.
Sengers syndrome. Also called: MITOCHONDRIAL DNA DEPLETION SYNDROME 10 (CARDIOMYOPATHIC TYPE); Cardiomyopathy and cataract. Identifiers: Orphanet 1369, MedGen C1859317, MONDO:0008922, OMIM 212350.

Submission:

Labcorp Genetics (formerly Invitae), Labcorp
Classification: Pathogenic for Sengers syndrome; Cataract 38. Last evaluated: 2022-08-22. Review status: criteria provided, single submitter. Criteria: Invitae Variant Classification Sherloc (09022015). Collection method: clinical testing. Allele origin: germline.
Comment: For these reasons, this variant has been classified as Pathogenic. This variant has not been reported in the literature in individuals affected with AGK-related conditions. This variant is not present in population databases (gnomAD no frequency). This sequence change creates a premature translational stop signal (p.Trp287*) in the AGK gene. It is expected to result in an absent or disrupted protein product. Loss-of-function variants in AGK are known to be pathogenic (PMID: 22284826).

Literature cited by the submitters: PubMed 22284826.